The following is an entry in ClinVar:

ClinVar aggregate classification (germline): Benign. Review status: criteria provided, multiple submitters, no conflicts (2 of 4 stars). 2 submissions from 2 submitters: Benign (2). Last evaluated 2018-06-19.

Allele frequency attached by ClinVar (database versions not stated): TOPMed 0.41489; 1000 Genomes Project 0.47264; 1000 Genomes Project 30x 0.47330.
gnomAD v4.1: 274,586 of 816,972 alleles (34%); highest among the groups gnomAD compares: East Asian, 64%; 51,735 homozygotes.

Submissions (2):

GeneDx
Classification: Benign. Last evaluated: 2018-06-19. Review status: criteria provided, single submitter. Criteria: GeneDx Variant Classification (06012015). Collection method: clinical testing. Allele origin: germline. Affected: yes.
Comment: This variant is considered likely benign or benign based on one or more of the following criteria: it is a conservative change, it occurs at a poorly conserved position in the protein, it is predicted to be benign by multiple in silico algorithms, and/or has population frequency not consistent with disease.

Breakthrough Genomics
Classification: Benign. Review status: criteria provided, single submitter. Criteria: ACMG Guidelines, 2015. Collection method: not provided. Allele origin: germline. Inheritance: Autosomal recessive inheritance. Affected: yes.

NM_000512.5(GALNS):c.422+117C>A

Gene: GALNS (galactosamine (N-acetyl)-6-sulfatase; minus strand). Cytogenetic location: 16q24.3.
Variant type: single nucleotide variant.
Coding change: c.422+117C>A on transcript NM_000512.5 (MANE Select); 117 bases into the intron after coding-DNA position 422, C replaced by A.
Molecular consequence: intron variant.
Genome position (GRCh38, 1-based): chr16:88,840,875, G>T on the plus strand (C>A on the coding strand, the complement: GALNS is on the minus strand). VCF-style: chr16-88840875-G-T. GRCh37 (hg19) VCF-style: chr16-88907283-G-T.
Other names: c.-134+117C>A (NM_001323543.2); c.440+117C>A (NM_001323544.2).
Identifiers: ClinVar variation 672032 (VCV000672032.2), dbSNP rs8054994, ClinGen allele CA14273568.